The following is an entry in ClinVar:

ClinVar aggregate classification (germline): Likely benign (1 of 4 stars; one submission).

Conditions:
Malignant hyperthermia, susceptibility to, 1 (MHS1). Also called: Anesthesia related hyperthermia; Malignant hyperpyrexia; Fulminating hyperpyrexia; Pharmacogenic myopathy; Malignant hyperthermia suceptibility 1; RYR1-Related Malignant Hyperthermia Susceptibility. Identifiers: Orphanet 423, MedGen C2930980, MONDO:0007783, OMIM 145600.

Submission:

All of Us Research Program, National Institutes of Health
Classification: Likely benign for Malignant hyperthermia, susceptibility to, 1. Last evaluated: 2024-07-10. Review status: criteria provided, single submitter. Criteria: ACMG Guidelines, 2015. Collection method: clinical testing. Allele origin: germline. Inheritance: Autosomal dominant inheritance. Observed: 1 variant allele, 1 heterozygote.
Comment: This study involves interpretation of variants in research participants for the purpose of population health screening. Participant phenotype was not available at the time of variant classification. Additional details can be found in publication PMID: 35346344, PMCID: PMC8962531

NM_000540.3(RYR1):c.12429G>C (p.Ala4143=)

Gene: RYR1 (ryanodine receptor 1; plus strand). Cytogenetic location: 19q13.2.
Variant type: single nucleotide variant.
Coding change: c.12429G>C on transcript NM_000540.3 (MANE Select); coding-DNA position 12429, G replaced by C.
Protein change: p.Ala4143=; no amino-acid change (alanine 4143 retained).
Molecular consequence: synonymous variant.
Genome position (GRCh38, 1-based): chr19:38,561,259, G>C. VCF-style: chr19-38561259-G-C. GRCh37 (hg19) VCF-style: chr19-39051899-G-C.
Other names: c.12414G>C, p.Ala4138= (NM_001042723.2).
Identifiers: ClinVar variation 3385581 (VCV003385581.1).